The following is an entry in ClinVar:

ClinVar aggregate classification (germline): Benign/Likely benign. Review status: criteria provided, multiple submitters, no conflicts (2 of 4 stars). 4 submissions from 4 submitters: Benign (1); Likely benign (2). 1 of the submissions does not count toward it. Last evaluated 2025-09-21.

Conditions:
Skeletal dysplasia, mild, with joint laxity and advanced bone age. Identifiers: MedGen C5394341, MONDO:0030029, OMIM 618870.
CSGALNACT1-related disorder. Also called: CSGALNACT1-related condition.

Allele frequency attached by ClinVar (database versions not stated): gnomAD 0.00055 and 0.00098; gnomAD exomes 0.00096 and 0.00180; TOPMed 0.00105; ExAC 0.00173; 1000 Genomes Project 30x 0.00453; 1000 Genomes Project 0.00479.
gnomAD v4.1: 1,551 of 1,614,132 alleles (0.096%); highest among the groups gnomAD compares: East Asian, 3.2%; 30 homozygotes.

Submissions (4):

Labcorp Genetics (formerly Invitae), Labcorp
Classification: Benign. Last evaluated: 2025-09-21. Review status: criteria provided, single submitter. Criteria: Invitae Variant Classification Sherloc (09022015). Collection method: clinical testing. Allele origin: germline.

Blueprint Genetics
Classification: Likely benign. Last evaluated: 2024-11-18. Review status: criteria provided, single submitter. Criteria: ACMG Guidelines, 2015. Collection method: clinical testing. Allele origin: germline.

Fulgent Genetics
Classification: Likely benign for Skeletal dysplasia, mild, with joint laxity and advanced bone age. Last evaluated: 2022-05-02. Review status: criteria provided, single submitter. Criteria: ACMG Guidelines, 2015. Collection method: clinical testing. Allele origin: unknown.

PreventionGenetics, part of Exact Sciences
Classification: Benign for CSGALNACT1-related condition. Last evaluated: 2020-01-08. Review status: no assertion criteria provided. Collection method: clinical testing. Allele origin: germline. Not counted in ClinVar's aggregate classification.
Comment: This variant is classified as benign based on ACMG/AMP sequence variant interpretation guidelines (Richards et al. 2015 PMID: 25741868, with internal and published modifications).

NM_001354483.2(CSGALNACT1):c.783G>A (p.Thr261=)

Gene: CSGALNACT1 (chondroitin sulfate N-acetylgalactosaminyltransferase 1; minus strand). Cytogenetic location: 8p21.3.
Variant type: single nucleotide variant.
Coding change: c.783G>A on transcript NM_001354483.2 (MANE Select); coding-DNA position 783, G replaced by A.
Protein change: p.Thr261=; no amino-acid change (threonine 261 retained).
Molecular consequence: synonymous variant. On other transcripts: non-coding transcript variant (7).
Genome position (GRCh38, 1-based): chr8:19,458,494, C>T on the plus strand (G>A on the coding strand, the complement: CSGALNACT1 is on the minus strand). VCF-style: chr8-19458494-C-T. GRCh37 (hg19) VCF-style: chr8-19316005-C-T.
Other names: c.783G>A, p.Thr261= (NM_001130518.2, NM_001354475.2, NM_001354476.2 and 18 more transcripts).
Identifiers: ClinVar variation 1645885 (VCV001645885.12), dbSNP rs76263557, ClinGen allele CA4654117.
Genomic context (GRCh38, chr8:19,458,494, plus strand): 5'-CTGCATGAACTGCCGGAACTTGTCCACCCTTTTTGCTAGAGGCACGATAACATTGATAAG[C>T]GTGTTGGCCATGTTGAGCTTTTCATTTTTCACTTTCATGATGGGGCCGAATGGTCGAAAT-3'
Protein context (NP_001341412.1, residues 251-271): VKNEKLNMAN[Thr261=]LINVIVPLAK